The following is an entry in ClinVar:

NM_005006.7(NDUFS1):c.2179T>C (p.Cys727Arg)

Gene: NDUFS1 (NADH:ubiquinone oxidoreductase core subunit S1; minus strand). Cytogenetic location: 2q33.3.
Variant type: single nucleotide variant.
Coding change: c.2179T>C on transcript NM_005006.7 (MANE Select); coding-DNA position 2179, T replaced by C.
Protein change: p.Cys727Arg; replaces cysteine 727 with arginine.
Molecular consequence: missense variant.
Genome position (GRCh38, 1-based): chr2:206,124,190, A>G on the plus strand (T>C on the coding strand, the complement: NDUFS1 is on the minus strand). VCF-style: chr2-206124190-A-G. GRCh37 (hg19) VCF-style: chr2-206988914-A-G.
Other names: c.2071T>C, p.Cys691Arg (NM_001199981.2); c.1846T>C, p.Cys616Arg (NM_001199982.2); c.2008T>C, p.Cys670Arg (NM_001199983.2); c.2221T>C, p.Cys741Arg (NM_001199984.2); c.2179T>C (NM_005006.6); short protein forms C616R, C741R, C670R, C691R, C727R.
Identifiers: ClinVar variation 1937064 (VCV001937064.6), dbSNP rs1287373652, ClinGen allele CA350039359.

ClinVar aggregate classification (germline): Uncertain significance. Review status: criteria provided, multiple submitters, no conflicts (2 of 4 stars). 2 submissions from 2 submitters: Uncertain significance (2). Last evaluated 2025-04-24.

Conditions:
Inborn genetic diseases. Identifiers: MedGen C0950123, MeSH D030342.

Allele frequency attached by ClinVar (database versions not stated): gnomAD 0.00001; gnomAD exomes 0.00001.
gnomAD v4.1: 15 of 1,605,436 alleles (0.00093%); highest among the groups gnomAD compares: Admixed American, 0.005%; no homozygotes.

Submissions (2):

Ambry Genetics
Classification: Uncertain significance for Inborn genetic diseases. Last evaluated: 2025-04-24. Review status: criteria provided, single submitter. Criteria: Ambry Variant Classification Scheme 2023. Collection method: clinical testing. Allele origin: germline.

Labcorp Genetics (formerly Invitae), Labcorp
Classification: Uncertain significance. Last evaluated: 2022-08-22. Review status: criteria provided, single submitter. Criteria: Invitae Variant Classification Sherloc (09022015). Collection method: clinical testing. Allele origin: germline.
Comment: In summary, the available evidence is currently insufficient to determine the role of this variant in disease. Therefore, it has been classified as a Variant of Uncertain Significance. Algorithms developed to predict the effect of missense changes on protein structure and function are either unavailable or do not agree on the potential impact of this missense change (SIFT: "Deleterious"; PolyPhen-2: "Benign"; Align-GVGD: "Class C0"). This variant has not been reported in the literature in individuals affected with NDUFS1-related conditions. This variant is present in population databases (no rsID available, gnomAD 0.004%). This sequence change replaces cysteine, which is neutral and slightly polar, with arginine, which is basic and polar, at codon 727 of the NDUFS1 protein (p.Cys727Arg).